The following is an entry in ClinVar:

ClinVar aggregate classification (germline): Likely benign. Review status: criteria provided, single submitter (1 of 4 stars). 2 submissions from 2 submitters: Likely benign (1). 1 of the submissions does not count toward it. Last evaluated 2024-04-22.

Conditions:
Bardet-Biedl syndrome (BBS). Identifiers: Orphanet 110, MedGen C0752166, MONDO:0015229.
BBS5-related disorder. Also called: BBS5-related condition.

Submissions (2):

Labcorp Genetics (formerly Invitae), Labcorp
Classification: Likely benign for Bardet-Biedl syndrome. Last evaluated: 2024-04-22. Review status: criteria provided, single submitter. Criteria: Invitae Variant Classification Sherloc (09022015). Collection method: clinical testing. Allele origin: germline.

PreventionGenetics, part of Exact Sciences
Classification: Likely benign for BBS5-related condition. Last evaluated: 2022-11-30. Review status: no assertion criteria provided. Collection method: clinical testing. Allele origin: germline. Not counted in ClinVar's aggregate classification.
Comment: This variant is classified as likely benign based on ACMG/AMP sequence variant interpretation guidelines (Richards et al. 2015 PMID: 25741868, with internal and published modifications).

NM_152384.3(BBS5):c.619-19_619-14del

Gene: BBS5 (Bardet-Biedl syndrome 5; plus strand). Cytogenetic location: 2q31.1.
Variant type: Microsatellite.
Coding change: c.619-19_619-14del on transcript NM_152384.3 (MANE Select); 19 bases into the intron before coding-DNA position 619 through 14 bases into the intron before coding-DNA position 619, 6 bases deleted (TTTTTC; older notation c.619-19_619-14delTTTTTC).
Molecular consequence: intron variant.
Genome position (GRCh38, 1-based): chr2:169,497,608-169,497,613, TTTTTC deleted; deleting any 6 consecutive bases within chr2:169,497,602-169,497,613 gives the same sequence; the c. name uses the placement nearest the transcript's 3' end. VCF-style (leftmost placement, unchanged base first): chr2-169497601-GTTTTTC-G. GRCh37 (hg19) VCF-style: chr2-170354111-GTTTTTC-G.
Other names: c.619-19_619-14del6 (NM_152384.2).
Identifiers: ClinVar variation 1590782 (VCV001590782.10), dbSNP rs776922529, ClinGen allele CA1956256.